The following is an entry in ClinVar:

NM_016194.4(GNB5):c.875G>C (p.Ser292Thr)

Gene: GNB5 (G protein subunit beta 5; minus strand). Cytogenetic location: 15q21.2.
Variant type: single nucleotide variant.
Coding change: c.875G>C on transcript NM_016194.4 (MANE Select); coding-DNA position 875, G replaced by C.
Protein change: p.Ser292Thr; replaces serine 292 with threonine.
Molecular consequence: missense variant.
Genome position (GRCh38, 1-based): chr15:52,128,233, C>G on the plus strand (G>C on the coding strand, the complement: GNB5 is on the minus strand). VCF-style: chr15-52128233-C-G. GRCh37 (hg19) VCF-style: chr15-52420430-C-G.
Other names: c.593G>C, p.Ser198Thr (NM_001379343.1); c.749G>C, p.Ser250Thr (NM_006578.4); short protein forms S198T, S250T, S292T.
Identifiers: ClinVar variation 1699768 (VCV001699768.3), dbSNP rs765422322, ClinGen allele CA7565599.

ClinVar aggregate classification (germline): Uncertain significance. Review status: criteria provided, multiple submitters, no conflicts (2 of 4 stars). 2 submissions from 2 submitters: Uncertain significance (2). Last evaluated 2024-11-09.

Conditions:
Inborn genetic diseases. Identifiers: MedGen C0950123, MeSH D030342.

Allele frequency attached by ClinVar (database versions not stated): ExAC 0.00002; gnomAD exomes 0.00002; gnomAD 0.00003 and 0.00004; TOPMed 0.00003.
gnomAD v4.1: 57 of 1,608,992 alleles (0.0035%); highest among the groups gnomAD compares: Admixed American, 0.015%; no homozygotes.

Submissions (2):

Ambry Genetics
Classification: Uncertain significance for Inborn genetic diseases. Last evaluated: 2024-11-09. Review status: criteria provided, single submitter. Criteria: Ambry Variant Classification Scheme 2023. Collection method: clinical testing. Allele origin: germline.

GeneDx
Classification: Uncertain significance. Last evaluated: 2022-01-26. Review status: criteria provided, single submitter. Criteria: GeneDx Variant Classification Process June 2021. Collection method: clinical testing. Allele origin: germline. Affected: yes.
Comment: In silico analysis supports that this missense variant does not alter protein structure/function; Not observed at significant frequency in large population cohorts (gnomAD); Has not been previously published as pathogenic or benign to our knowledge